The following is an entry in ClinVar:

ClinVar aggregate classification (germline): Uncertain significance (1 of 4 stars; one submission).

Submission:

Ambry Genetics
Classification: Uncertain significance. Last evaluated: 2021-12-16. Review status: criteria provided, single submitter. Criteria: Ambry Variant Classification Scheme 2023. Collection method: clinical testing. Allele origin: germline.
Comment: The p.S542N variant (also known as c.1625G>A), located in coding exon 14 of the A2ML1 gene, results from a G to A substitution at nucleotide position 1625. The serine at codon 542 is replaced by asparagine, an amino acid with highly similar properties. This amino acid position is conserved. In addition, this alteration is predicted to be tolerated by in silico analysis. Since supporting evidence is limited at this time, the clinical significance of this alteration remains unclear.

NM_144670.6(A2ML1):c.1625G>A (p.Ser542Asn)

Gene: A2ML1 (alpha-2-macroglobulin like 1; plus strand). Cytogenetic location: 12p13.31.
Variant type: single nucleotide variant.
Coding change: c.1625G>A on transcript NM_144670.6 (MANE Select); coding-DNA position 1625, G replaced by A.
Protein change: p.Ser542Asn; replaces serine 542 with asparagine.
Molecular consequence: missense variant.
Genome position (GRCh38, 1-based): chr12:8,846,164, G>A. VCF-style: chr12-8846164-G-A. GRCh37 (hg19) VCF-style: chr12-8998760-G-A.
Other names: c.152G>A, p.Ser51Asn (NM_001282424.3); short protein forms S51N, S542N.
Identifiers: ClinVar variation 1776684 (VCV001776684.2), dbSNP rs2539237140, ClinGen allele CA383827490.